The following is an entry in ClinVar:

NM_014918.5(CHSY1):c.365G>A (p.Ser122Asn)

Gene: CHSY1 (chondroitin sulfate synthase 1; minus strand). Cytogenetic location: 15q26.3.
Variant type: single nucleotide variant.
Coding change: c.365G>A on transcript NM_014918.5 (MANE Select); coding-DNA position 365, G replaced by A.
Protein change: p.Ser122Asn; replaces serine 122 with asparagine.
Molecular consequence: missense variant.
Genome position (GRCh38, 1-based): chr15:101,235,533, C>T on the plus strand (G>A on the coding strand, the complement: CHSY1 is on the minus strand). VCF-style: chr15-101235533-C-T. GRCh37 (hg19) VCF-style: chr15-101775738-C-T.
Other names: short protein forms S122N.
Identifiers: ClinVar variation 4615597 (VCV004615597.2).

ClinVar aggregate classification (germline): Uncertain significance. Review status: criteria provided, multiple submitters, no conflicts (2 of 4 stars). 2 submissions from 2 submitters: Uncertain significance (2). Last evaluated 2025-11-13.

Conditions:
Temtamy preaxial brachydactyly syndrome (TPBS). Identifiers: Orphanet 363417, MedGen C1854466, MONDO:0011533, OMIM 605282.
Inborn genetic diseases. Identifiers: MedGen C0950123, MeSH D030342.

gnomAD v4.1: 10 of 1,613,206 alleles (0.00062%); highest among the groups gnomAD compares: African/African-American, 0.0093%; no homozygotes.

Submissions (2):

Ambry Genetics
Classification: Uncertain significance for Inborn genetic diseases. Last evaluated: 2025-11-13. Review status: criteria provided, single submitter. Criteria: Ambry Variant Classification Scheme 2023. Collection method: clinical testing. Allele origin: germline.

Labcorp Genetics (formerly Invitae), Labcorp
Classification: Uncertain significance for Temtamy preaxial brachydactyly syndrome. Last evaluated: 2025-07-13. Review status: criteria provided, single submitter. Criteria: Invitae Variant Classification Sherloc (09022015). Collection method: clinical testing. Allele origin: germline.
Comment: This sequence change replaces serine, which is neutral and polar, with asparagine, which is neutral and polar, at codon 122 of the CHSY1 protein (p.Ser122Asn). This variant is present in population databases (rs751299382, gnomAD 0.007%). This variant has not been reported in the literature in individuals affected with CHSY1-related conditions. Invitae Evidence Modeling of protein sequence and biophysical properties (such as structural, functional, and spatial information, amino acid conservation, physicochemical variation, residue mobility, and thermodynamic stability) indicates that this missense variant is expected to disrupt CHSY1 protein function with a positive predictive value of 80%. In summary, the available evidence is currently insufficient to determine the role of this variant in disease. Therefore, it has been classified as a Variant of Uncertain Significance.